The following is an entry in ClinVar:

NM_001083962.2(TCF4):c.851A>G (p.His284Arg)

Genes: TCF4 (transcription factor 4; minus strand), LOC126862757 (CDK7 strongly-dependent group 2 enhancer GRCh37_chr18:52936433-52937632; plus strand). Cytogenetic location: 18q21.2.
Variant type: single nucleotide variant.
Coding change: c.851A>G on transcript NM_001083962.2 (MANE Select); coding-DNA position 851, A replaced by G.
Protein change: p.His284Arg; replaces histidine 284 with arginine.
Molecular consequence: missense variant.
Genome position (GRCh38, 1-based): chr18:55,269,902, T>C on the plus strand (A>G on the coding strand, the complement: TCF4 is on the minus strand). VCF-style: chr18-55269902-T-C. GRCh37 (hg19) VCF-style: chr18-52937133-T-C.
Other names: c.371A>G, p.His124Arg (NM_001243235.2, NM_001243236.2, NM_001348214.2 and 2 more transcripts); c.779A>G, p.His260Arg (NM_001306207.1, NM_001369575.1, NM_001369577.1 and 9 more transcripts); c.638A>G, p.His213Arg (NM_001306208.1, NM_001243232.1); c.851A>G, p.His284Arg (NM_001330604.3, NM_001369571.1, NM_001369572.1 and 4 more transcripts); c.461A>G, p.His154Arg (NM_001330605.3, NM_001348212.2, NM_001348213.2 and 1 more transcripts); c.725A>G, p.His242Arg (NM_001348211.2, NM_001243231.2); c.848A>G, p.His283Arg (NM_001369570.1, NM_001369573.1, NM_001369569.1); c.776A>G, p.His259Arg (NM_001369576.1, NM_001369578.1, NM_001348220.1 and 3 more transcripts); and 4 more; short protein forms H284R, H154R, H242R, H259R, H68R, H213R, H124R, H260R.
Identifiers: ClinVar variation 468963 (VCV000468963.9), dbSNP rs748555967, ClinGen allele CA8970379.

ClinVar aggregate classification (germline): Uncertain significance (1 of 4 stars; one submission).

Conditions:
Pitt-Hopkins syndrome (PTHS). Also called: ENCEPHALOPATHY, SEVERE EPILEPTIC, WITH AUTONOMIC DYSFUNCTION; MENTAL RETARDATION, SYNDROMAL, WITH INTERMITTENT HYPERVENTILATION. Identifiers: Orphanet 2896, MedGen C1970431, MONDO:0012589, OMIM 610954.

Allele frequency attached by ClinVar (database versions not stated): gnomAD exomes 0.00001; ExAC 0.00002.
gnomAD v4.1: 3 of 1,613,318 alleles (0.00019%); highest among the groups gnomAD compares: Non-Finnish European, 0.00025%; no homozygotes.

Submission:

Labcorp Genetics (formerly Invitae), Labcorp
Classification: Uncertain significance for Pitt-Hopkins syndrome. Last evaluated: 2016-12-24. Review status: criteria provided, single submitter. Criteria: Invitae Variant Classification Sherloc (09022015). Collection method: clinical testing. Allele origin: germline.
Comment: In summary, this variant is a rare missense change with uncertain impact on protein function. There is no indication that it causes disease, but the available evidence is currently insufficient to prove that conclusively. Therefore, it has been classified as a Variant of Uncertain Significance. Algorithms developed to predict the effect of missense changes on protein structure and function do not agree on the potential impact of this missense change (SIFT: "Tolerated"; PolyPhen-2: "Possibly Damaging"; Align-GVGD: "Class C0"). This variant is present in population databases (rs748555967, ExAC 0.003%) but has not been reported in the literature in individuals with a TCF4-related disease. This sequence change replaces histidine with arginine at codon 284 of the TCF4 protein (p.His284Arg). The histidine residue is moderately conserved and there is a small physicochemical difference between histidine and arginine.